The following is an entry in ClinVar:

ClinVar aggregate classification (germline): Uncertain significance (1 of 4 stars; one submission).

Conditions:
Exostoses, multiple, type 2 (EXT2). Also called: Hereditary Multiple Osteochondromatosis, Type II; EXOSTOSES, MULTIPLE, TYPE II. Identifiers: Orphanet 321, MedGen C1851413, MONDO:0007586, OMIM 133701.

Allele frequency attached by ClinVar (database versions not stated): gnomAD exomes below 0.00001.
gnomAD v4.1: 1 of 1,614,138 alleles (0.000062%); highest among the groups gnomAD compares: East Asian, 0.0022%; no homozygotes.

Submission:

Labcorp Genetics (formerly Invitae), Labcorp
Classification: Uncertain significance for Exostoses, multiple, type 2. Last evaluated: 2022-06-28. Review status: criteria provided, single submitter. Criteria: Invitae Variant Classification Sherloc (09022015). Collection method: clinical testing. Allele origin: germline.
Comment: In summary, the available evidence is currently insufficient to determine the role of this variant in disease. Therefore, it has been classified as a Variant of Uncertain Significance. Algorithms developed to predict the effect of missense changes on protein structure and function (SIFT, PolyPhen-2, Align-GVGD) all suggest that this variant is likely to be disruptive. This variant has not been reported in the literature in individuals affected with EXT2-related conditions. This variant is present in population databases (no rsID available, gnomAD 0.006%). This sequence change replaces asparagine, which is neutral and polar, with serine, which is neutral and polar, at codon 637 of the EXT2 protein (p.Asn637Ser).

NM_207122.2(EXT2):c.1910A>G (p.Asn637Ser)

Gene: EXT2 (exostosin glycosyltransferase 2; plus strand). Cytogenetic location: 11p11.2.
Variant type: single nucleotide variant.
Coding change: c.1910A>G on transcript NM_207122.2 (MANE Select); coding-DNA position 1910, A replaced by G.
Protein change: p.Asn637Ser; replaces asparagine 637 with serine.
Molecular consequence: missense variant.
Genome position (GRCh38, 1-based): chr11:44,234,218, A>G. VCF-style: chr11-44234218-A-G. GRCh37 (hg19) VCF-style: chr11-44255768-A-G.
Other names: c.2009A>G, p.Asn670Ser (NM_000401.3); c.1940A>G, p.Asn647Ser (NM_001178083.3); c.1910A>G, p.Asn637Ser (NM_001389628.1, NM_001389630.1); short protein forms N637S, N647S, N670S.
Identifiers: ClinVar variation 1979216 (VCV001979216.4), dbSNP rs1205174546, ClinGen allele CA380183389.